The following is an entry in ClinVar:

ClinVar aggregate classification (germline): Benign (1 of 4 stars; one submission).

Conditions:
Ehlers-Danlos syndrome, type 4 (EDSVASC). Also called: Ehlers-Danlos Syndrome Type IV; Ehlers-Danlos syndrome vascular type; Ehlers Danlos syndrome, ecchymotic type; Ehlers Danlos syndrome, arterial type; Ehlers Danlos syndrome, Sack-Barabas type. Identifiers: Orphanet 286, MedGen C0268338, MONDO:0017314, OMIM 130050.

Allele frequency attached by ClinVar (database versions not stated): gnomAD 0.00185; TOPMed 0.00188; 1000 Genomes Project 0.00280; 1000 Genomes Project 30x 0.00281.

Submission:

Illumina Laboratory Services, Illumina
Classification: Benign for Ehlers-Danlos syndrome, type 4. Last evaluated: 2018-01-13. Review status: criteria provided, single submitter. Criteria: ICSL Variant Classification Criteria 13 December 2019. Collection method: clinical testing. Allele origin: germline.
Comment: This variant was observed in the ICSL laboratory as part of a predisposition screen in an ostensibly healthy population. It had not been previously curated by ICSL or reported in the Human Gene Mutation Database (HGMD: prior to June 1st, 2018), and was therefore a candidate for classification through an automated scoring system. Utilizing variant allele frequency, disease prevalence and penetrance estimates, and inheritance mode, an automated score was calculated to assess if this variant is too frequent to cause the disease. Based on the score and internal cut-off values, a variant classified as benign is not then subjected to further curation. The score for this variant resulted in a classification of benign for this disease.

NM_000090.4(COL3A1):c.*674G>A

Gene: COL3A1 (collagen type III alpha 1 chain; plus strand). Cytogenetic location: 2q32.2.
Variant type: single nucleotide variant.
Coding change: c.*674G>A on transcript NM_000090.4 (MANE Select); 674 bases downstream of the stop codon, G replaced by A.
Molecular consequence: 3 prime UTR variant.
Genome position (GRCh38, 1-based): chr2:189,012,448, G>A. VCF-style: chr2-189012448-G-A. GRCh37 (hg19) VCF-style: chr2-189877174-G-A.
Identifiers: ClinVar variation 333087 (VCV000333087.5), dbSNP rs190903102, ClinGen allele CA10613225.